The following is an entry in ClinVar:

NM_003705.5(SLC25A12):c.1511A>G (p.His504Arg)

Gene: SLC25A12 (solute carrier family 25 member 12; minus strand). Cytogenetic location: 2q31.1.
Variant type: single nucleotide variant.
Coding change: c.1511A>G on transcript NM_003705.5 (MANE Select); coding-DNA position 1511, A replaced by G.
Protein change: p.His504Arg; replaces histidine 504 with arginine.
Molecular consequence: missense variant. On other transcripts: non-coding transcript variant (1).
Genome position (GRCh38, 1-based): chr2:171,791,525, T>C on the plus strand (A>G on the coding strand, the complement: SLC25A12 is on the minus strand). VCF-style: chr2-171791525-T-C. GRCh37 (hg19) VCF-style: chr2-172648035-T-C.
Other names: short protein forms H504R.
Identifiers: ClinVar variation 2004556 (VCV002004556.4), dbSNP rs1683457060, ClinGen allele CA349288806.

ClinVar aggregate classification (germline): Uncertain significance (1 of 4 stars; one submission).

Submission:

Labcorp Genetics (formerly Invitae), Labcorp
Classification: Uncertain significance. Last evaluated: 2022-06-10. Review status: criteria provided, single submitter. Criteria: Invitae Variant Classification Sherloc (09022015). Collection method: clinical testing. Allele origin: germline.
Comment: Algorithms developed to predict the effect of missense changes on protein structure and function (SIFT, PolyPhen-2, Align-GVGD) all suggest that this variant is likely to be tolerated. In summary, the available evidence is currently insufficient to determine the role of this variant in disease. Therefore, it has been classified as a Variant of Uncertain Significance. This variant has not been reported in the literature in individuals affected with SLC25A12-related conditions. This sequence change replaces histidine, which is basic and polar, with arginine, which is basic and polar, at codon 504 of the SLC25A12 protein (p.His504Arg). This variant is not present in population databases (gnomAD no frequency).